The following is an entry in ClinVar:

NM_004370.6(COL12A1):c.7569G>A (p.Met2523Ile)

Gene: COL12A1 (collagen type XII alpha 1 chain; minus strand). Cytogenetic location: 6q13.
Variant type: single nucleotide variant.
Coding change: c.7569G>A on transcript NM_004370.6 (MANE Select); coding-DNA position 7569, G replaced by A.
Protein change: p.Met2523Ile; replaces methionine 2523 with isoleucine.
Molecular consequence: missense variant.
Genome position (GRCh38, 1-based): chr6:75,115,912, C>T on the plus strand (G>A on the coding strand, the complement: COL12A1 is on the minus strand). VCF-style: chr6-75115912-C-T. GRCh37 (hg19) VCF-style: chr6-75825628-C-T.
Other names: c.4077G>A, p.Met1359Ile (NM_080645.3); short protein forms M2523I, M1359I.
Identifiers: ClinVar variation 572417 (VCV000572417.11), dbSNP rs371624564, ClinGen allele CA141012104.
Genomic context (GRCh38, chr6:75,115,912, plus strand): 5'-CTCCAAAGATACTCCTTGTACAGAAGCAAAATTCTTTTCTGTCAGGTTGTATGCTTCAAG[C>T]ATTTTAAAACCTTTACATCAGAAAAGAAAATATTAAACGGAGTACATTTTAATTATTTTA-3'
Protein context (NP_004361.3, residues 2513-2533): LDGYTSPGFK[Met2523Ile]LEAYNLTEKN

ClinVar aggregate classification (germline): Uncertain significance (1 of 4 stars; one submission).

Conditions:
Ullrich congenital muscular dystrophy 2 (UCMD2). Identifiers: Orphanet 75840, MedGen C4225314, MONDO:0014654, OMIM 616470.
Bethlem myopathy 2 (BTHLM2). Identifiers: Orphanet 536516, Orphanet 610, MedGen C4225313, MONDO:0034022, OMIM 616471.

Allele frequency attached by ClinVar (database versions not stated): gnomAD exomes below 0.00001 and 0.00003; TOPMed 0.00001; gnomAD 0.00002; ESP Exome Variant Server 0.00008.
gnomAD v4.1: 43 of 1,612,676 alleles (0.0027%); highest among the groups gnomAD compares: Non-Finnish European, 0.0033%; no homozygotes.

Submission:

Labcorp Genetics (formerly Invitae), Labcorp
Classification: Uncertain significance for Bethlem myopathy 2; Ullrich congenital muscular dystrophy 2. Last evaluated: 2025-06-06. Review status: criteria provided, single submitter. Criteria: Invitae Variant Classification Sherloc (09022015). Collection method: clinical testing. Allele origin: germline.
Comment: This sequence change replaces methionine, which is neutral and non-polar, with isoleucine, which is neutral and non-polar, at codon 2523 of the COL12A1 protein (p.Met2523Ile). This variant is present in population databases (rs371624564, gnomAD 0.0009%). This variant has not been reported in the literature in individuals affected with COL12A1-related conditions. ClinVar contains an entry for this variant (Variation ID: 572417). Invitae Evidence Modeling of protein sequence and biophysical properties (such as structural, functional, and spatial information, amino acid conservation, physicochemical variation, residue mobility, and thermodynamic stability) indicates that this missense variant is not expected to disrupt COL12A1 protein function with a negative predictive value of 80%. In summary, the available evidence is currently insufficient to determine the role of this variant in disease. Therefore, it has been classified as a Variant of Uncertain Significance.